The following is an entry in ClinVar:

NM_004304.5(ALK):c.3667A>G (p.Met1223Val)

Gene: ALK (ALK receptor tyrosine kinase; minus strand). Cytogenetic location: 2p23.2.
Variant type: single nucleotide variant.
Coding change: c.3667A>G on transcript NM_004304.5 (MANE Select); coding-DNA position 3667, A replaced by G.
Protein change: p.Met1223Val; replaces methionine 1223 with valine.
Molecular consequence: missense variant.
Genome position (GRCh38, 1-based): chr2:29,214,060, T>C on the plus strand (A>G on the coding strand, the complement: ALK is on the minus strand). VCF-style: chr2-29214060-T-C. GRCh37 (hg19) VCF-style: chr2-29436926-T-C.
Other names: c.463A>G, p.Met155Val (NM_001353765.2); short protein forms M155V, M1223V.
Identifiers: ClinVar variation 1733732 (VCV001733732.2), dbSNP rs1573108993, ClinGen allele CA346471598.

ClinVar aggregate classification (germline): Uncertain significance (1 of 4 stars; one submission).

Conditions:
Hereditary cancer-predisposing syndrome. Also called: Neoplastic Syndromes, Hereditary; Tumor predisposition; Hereditary Cancer Syndrome; Hereditary neoplastic syndrome. Identifiers: Orphanet 140162, MedGen C0027672, MeSH D009386, MONDO:0015356.

Submission:

Ambry Genetics
Classification: Uncertain significance for Hereditary cancer-predisposing syndrome. Last evaluated: 2022-07-14. Review status: criteria provided, single submitter. Criteria: Ambry Variant Classification Scheme 2023. Collection method: clinical testing. Allele origin: germline.
Comment: The p.M1223V variant (also known as c.3667A>G), located in coding exon 24 of the ALK gene, results from an A to G substitution at nucleotide position 3667. The methionine at codon 1223 is replaced by valine, an amino acid with highly similar properties. This amino acid position is highly conserved in available vertebrate species. In addition, the in silico prediction for this alteration is inconclusive. Since supporting evidence is limited at this time, the clinical significance of this alteration remains unclear.